The following is an entry in ClinVar:

NM_014141.6(CNTNAP2):c.3796+91T>C

Gene: CNTNAP2 (contactin associated protein 2; plus strand). Cytogenetic location: 7q36.1.
Variant type: single nucleotide variant.
Coding change: c.3796+91T>C on transcript NM_014141.6 (MANE Select); 91 bases into the intron after coding-DNA position 3796, T replaced by C.
Molecular consequence: intron variant.
Genome position (GRCh38, 1-based): chr7:148,409,562, T>C. VCF-style: chr7-148409562-T-C. GRCh37 (hg19) VCF-style: chr7-148106654-T-C.
Identifiers: ClinVar variation 670651 (VCV000670651.2), dbSNP rs13241417, ClinGen allele CA12694800.
Genomic context (GRCh38, chr7:148,409,562, plus strand): 5'-GGCTACTCAACTATGGAAAGTAATAGTTGTCAATAACATAGTAGTCTAGGAAAAAAAGTT[T>C]TCTAGGTTTTTACATTATTCATTTTGCTGTTTAAAGATTATGACATATGATGTGAAGAAA-3'

ClinVar aggregate classification (germline): Benign. Review status: criteria provided, multiple submitters, no conflicts (2 of 4 stars). 2 submissions from 2 submitters: Benign (2). Last evaluated 2018-06-14.

Allele frequency attached by ClinVar (database versions not stated): TOPMed 0.27929; gnomAD 0.28630 and 0.28804; 1000 Genomes Project 30x 0.34197; 1000 Genomes Project 0.34565.
gnomAD v4.1: 264,608 of 1,085,964 alleles (24%); highest among the groups gnomAD compares: African/African-American, 43%; 34,711 homozygotes.

Submissions (2):

GeneDx
Classification: Benign. Last evaluated: 2018-06-14. Review status: criteria provided, single submitter. Criteria: GeneDx Variant Classification (06012015). Collection method: clinical testing. Allele origin: germline. Affected: yes.
Comment: This variant is considered likely benign or benign based on one or more of the following criteria: it is a conservative change, it occurs at a poorly conserved position in the protein, it is predicted to be benign by multiple in silico algorithms, and/or has population frequency not consistent with disease.

Breakthrough Genomics
Classification: Benign. Review status: criteria provided, single submitter. Criteria: ACMG Guidelines, 2015. Collection method: not provided. Allele origin: germline. Inheritance: Autosomal recessive inheritance. Affected: yes.